The following is an entry in ClinVar:

ClinVar aggregate classification (germline): Likely benign. Review status: criteria provided, multiple submitters, no conflicts (2 of 4 stars). 3 submissions from 3 submitters: Likely benign (3). Last evaluated 2025-03-23.

Conditions:
Adams-Oliver syndrome 5 (AOS5). Identifiers: Orphanet 974, MedGen C4014970, MONDO:0014459, OMIM 616028.
Familial thoracic aortic aneurysm and aortic dissection (TAAD). Also called: Thoracic aortic aneurysms and dissections. Identifiers: Orphanet 91387, MedGen C4707243, MONDO:0019625.

Allele frequency attached by ClinVar (database versions not stated): gnomAD exomes below 0.00001.
gnomAD v4.1: 2 of 1,577,464 alleles (0.00013%); highest among the groups gnomAD compares: Non-Finnish European, 0.00017%; no homozygotes.

Submissions (3):

Ambry Genetics
Classification: Likely benign for Familial thoracic aortic aneurysm and aortic dissection. Last evaluated: 2025-03-23. Review status: criteria provided, single submitter. Criteria: Ambry Variant Classification Scheme 2023. Collection method: clinical testing. Allele origin: germline.

CeGaT Center for Human Genetics Tuebingen
Classification: Likely benign. Last evaluated: 2024-10-01. Review status: criteria provided, single submitter. Criteria: CeGaT Center For Human Genetics Tuebingen Variant Classification Criteria Version 2. Collection method: clinical testing. Allele origin: germline. Affected: yes. Observed: 2 variant alleles.
Comment: NOTCH1: BP4, BP7

Labcorp Genetics (formerly Invitae), Labcorp
Classification: Likely benign for Adams-Oliver syndrome 5. Last evaluated: 2024-08-22. Review status: criteria provided, single submitter. Criteria: Invitae Variant Classification Sherloc (09022015). Collection method: clinical testing. Allele origin: germline.

NM_017617.5(NOTCH1):c.4857C>T (p.Tyr1619=)

Gene: NOTCH1 (notch receptor 1; minus strand). Cytogenetic location: 9q34.3.
Variant type: single nucleotide variant.
Coding change: c.4857C>T on transcript NM_017617.5 (MANE Select); coding-DNA position 4857, C replaced by T.
Protein change: p.Tyr1619=; no amino-acid change (tyrosine 1619 retained).
Molecular consequence: synonymous variant.
Genome position (GRCh38, 1-based): chr9:136,504,834, G>A on the plus strand (C>T on the coding strand, the complement: NOTCH1 is on the minus strand). VCF-style: chr9-136504834-G-A. GRCh37 (hg19) VCF-style: chr9-139399286-G-A.
Other names: c.4857C>T (NM_017617.3).
Identifiers: ClinVar variation 2714697 (VCV002714697.20), dbSNP rs1843053321, ClinGen allele CA467832702.